The following is an entry in ClinVar:

ClinVar aggregate classification (germline): Uncertain significance (1 of 4 stars; one submission).

Conditions:
Baraitser-winter syndrome 2. Identifiers: Orphanet 2995, MedGen C3281235, MONDO:0013812, OMIM 614583.
Autosomal dominant nonsyndromic hearing loss 20. Identifiers: Orphanet 90635, MedGen C1858172, MONDO:0011480, OMIM 604717.

Submission:

Labcorp Genetics (formerly Invitae), Labcorp
Classification: Uncertain significance for Baraitser-winter syndrome 2; Autosomal dominant nonsyndromic hearing loss 20. Last evaluated: 2023-08-17. Review status: criteria provided, single submitter. Criteria: Invitae Variant Classification Sherloc (09022015). Collection method: clinical testing. Allele origin: germline.
Comment: This variant has not been reported in the literature in individuals affected with ACTG1-related conditions. This sequence change replaces glutamic acid, which is acidic and polar, with aspartic acid, which is acidic and polar, at codon 276 of the ACTG1 protein (p.Glu276Asp). This variant is not present in population databases (gnomAD no frequency). ClinVar contains an entry for this variant (Variation ID: 1717250). Advanced modeling of protein sequence and biophysical properties (such as structural, functional, and spatial information, amino acid conservation, physicochemical variation, residue mobility, and thermodynamic stability) performed at Invitae indicates that this missense variant is not expected to disrupt ACTG1 protein function. In summary, the available evidence is currently insufficient to determine the role of this variant in disease. Therefore, it has been classified as a Variant of Uncertain Significance.

NM_001614.5(ACTG1):c.828G>C (p.Glu276Asp)

Gene: ACTG1 (actin gamma 1; minus strand). Cytogenetic location: 17q25.3.
Variant type: single nucleotide variant.
Coding change: c.828G>C on transcript NM_001614.5 (MANE Select); coding-DNA position 828, G replaced by C.
Protein change: p.Glu276Asp; replaces glutamic acid 276 with aspartic acid.
Molecular consequence: missense variant. On other transcripts: non-coding transcript variant (1).
Genome position (GRCh38, 1-based): chr17:81,511,083, C>G on the plus strand (G>C on the coding strand, the complement: ACTG1 is on the minus strand). VCF-style: chr17-81511083-C-G. GRCh37 (hg19) VCF-style: chr17-79478109-C-G.
Other names: c.828G>C, p.Glu276Asp (NM_001199954.3); short protein forms E276D.
Identifiers: ClinVar variation 1717250 (VCV001717250.5), dbSNP rs727504806, ClinGen allele CA401459423.